The following is an entry in ClinVar:

ClinVar aggregate classification (germline): Uncertain significance (1 of 4 stars; one submission).

Allele frequency attached by ClinVar (database versions not stated): 1000 Genomes Project 30x 0.00016; 1000 Genomes Project 0.00020.
gnomAD v4.1: 65 of 1,580,140 alleles (0.0041%); highest among the groups gnomAD compares: East Asian, 0.009%; no homozygotes.

Submission:

Labcorp Genetics (formerly Invitae), Labcorp
Classification: Uncertain significance. Last evaluated: 2025-11-22. Review status: criteria provided, single submitter. Criteria: Invitae Variant Classification Sherloc (09022015). Collection method: clinical testing. Allele origin: germline.
Comment: This sequence change replaces alanine, which is neutral and non-polar, with serine, which is neutral and polar, at codon 2105 of the DSCAML1 protein (p.Ala2105Ser). This variant is present in population databases (rs199968404, gnomAD 0.01%). This variant has not been reported in the literature in individuals affected with DSCAML1-related conditions. ClinVar contains an entry for this variant (Variation ID: 1910211). An algorithm developed to predict the effect of missense changes on protein structure and function (PolyPhen-2) suggests that this variant is likely to be tolerated. In summary, the available evidence is currently insufficient to determine the role of this variant in disease. Therefore, it has been classified as a Variant of Uncertain Significance.

NM_020693.4(DSCAML1):c.6133G>T (p.Ala2045Ser)

Gene: DSCAML1 (DS cell adhesion molecule like 1; minus strand). Cytogenetic location: 11q23.3.
Variant type: single nucleotide variant.
Coding change: c.6133G>T on transcript NM_020693.4 (MANE Select); coding-DNA position 6133, G replaced by T.
Protein change: p.Ala2045Ser; replaces alanine 2045 with serine.
Molecular consequence: missense variant.
Genome position (GRCh38, 1-based): chr11:117,428,357, C>A on the plus strand (G>T on the coding strand, the complement: DSCAML1 is on the minus strand). VCF-style: chr11-117428357-C-A. GRCh37 (hg19) VCF-style: chr11-117299073-C-A.
Other names: short protein forms A2045S.
Identifiers: ClinVar variation 1910211 (VCV001910211.5), dbSNP rs199968404, ClinGen allele CA6295857.